The following is an entry in ClinVar:

NM_015346.4(ZFYVE26):c.5369C>T (p.Pro1790Leu)

Gene: ZFYVE26 (zinc finger FYVE-type containing 26; minus strand). Cytogenetic location: 14q24.1.
Variant type: single nucleotide variant.
Coding change: c.5369C>T on transcript NM_015346.4 (MANE Select); coding-DNA position 5369, C replaced by T.
Protein change: p.Pro1790Leu; replaces proline 1790 with leucine.
Molecular consequence: missense variant.
Genome position (GRCh38, 1-based): chr14:67,772,162, G>A on the plus strand (C>T on the coding strand, the complement: ZFYVE26 is on the minus strand). VCF-style: chr14-67772162-G-A. GRCh37 (hg19) VCF-style: chr14-68238879-G-A.
Other names: short protein forms P1790L.
Identifiers: ClinVar variation 241049 (VCV000241049.1), dbSNP rs878855012, ClinGen allele CA10583180.

ClinVar aggregate classification (germline): Uncertain significance (1 of 4 stars; one submission).

Conditions:
Spastic paraplegia. Identifiers: MedGen C0037772, HP:0001258.

Allele frequency attached by ClinVar (database versions not stated): gnomAD exomes below 0.00001.
gnomAD v4.1: 1 of 1,613,312 alleles (0.000062%); highest among the groups gnomAD compares: East Asian, 0.0022%; no homozygotes.

Submission:

Labcorp Genetics (formerly Invitae), Labcorp
Classification: Uncertain significance for Spastic paraplegia. Last evaluated: 2016-02-25. Review status: criteria provided, single submitter. Criteria: Invitae Variant Classification Sherloc (09022015). Collection method: clinical testing. Allele origin: germline.
Comment: This sequence change replaces proline with leucine at codon 1790 of the ZFYVE26 protein (p.Pro1790Leu). The proline residue is weakly conserved and there is a moderate physicochemical difference between proline and leucine. This variant is not present in population databases (ExAC no frequency) and has not been reported in the literature in individuals with a ZFYVE26-related disease. Algorithms developed to predict the effect of missense changes on protein structure and function (SIFT, PolyPhen-2, Align-GVGD) all suggest that this variant is likely to be tolerated, but these predictions have not been confirmed by published functional studies. In summary, this variant is a novel missense change that is not predicted to affect protein function. There is no indication that it causes disease, but the available evidence is currently insufficient to prove that conclusively. Therefore, it has been classified as a Variant of Uncertain Significance.